The following is an entry in ClinVar:

NM_005188.4(CBL):c.71G>T (p.Gly24Val)

Genes: CBL (Cbl proto-oncogene; plus strand), LOC130006895 (ATAC-STARR-seq lymphoblastoid silent region 3975; plus strand). Cytogenetic location: 11q23.3.
Variant type: single nucleotide variant.
Coding change: c.71G>T on transcript NM_005188.4 (MANE Select); coding-DNA position 71, G replaced by T.
Protein change: p.Gly24Val; replaces glycine 24 with valine.
Molecular consequence: missense variant.
Genome position (GRCh38, 1-based): chr11:119,206,488, G>T. VCF-style: chr11-119206488-G-T. GRCh37 (hg19) VCF-style: chr11-119077198-G-T.
Other names: short protein forms G24V.
Identifiers: ClinVar variation 3137960 (VCV003137960.3), dbSNP rs1188757026, ClinGen allele CA382975943.

ClinVar aggregate classification (germline): Uncertain significance. Review status: criteria provided, multiple submitters, no conflicts (2 of 4 stars). 2 submissions from 2 submitters: Uncertain significance (2). Last evaluated 2024-10-29.

Conditions:
Cardiovascular phenotype. Identifiers: MedGen CN230736.
RASopathy. Also called: Noonan spectrum disorder; rasopathies. Identifiers: Orphanet 536391, MedGen C5555857, MONDO:0021060.

Submissions (2):

Labcorp Genetics (formerly Invitae), Labcorp
Classification: Uncertain significance for RASopathy. Last evaluated: 2024-10-29. Review status: criteria provided, single submitter. Criteria: Invitae Variant Classification Sherloc (09022015). Collection method: clinical testing. Allele origin: germline.
Comment: This sequence change replaces glycine, which is neutral and non-polar, with valine, which is neutral and non-polar, at codon 24 of the CBL protein (p.Gly24Val). This variant is not present in population databases (gnomAD no frequency). This variant has not been reported in the literature in individuals affected with CBL-related conditions. ClinVar contains an entry for this variant (Variation ID: 3137960). Invitae Evidence Modeling of protein sequence and biophysical properties (such as structural, functional, and spatial information, amino acid conservation, physicochemical variation, residue mobility, and thermodynamic stability) indicates that this missense variant is not expected to disrupt CBL protein function with a negative predictive value of 95%. In summary, the available evidence is currently insufficient to determine the role of this variant in disease. Therefore, it has been classified as a Variant of Uncertain Significance.

Ambry Genetics
Classification: Uncertain significance for Cardiovascular phenotype. Last evaluated: 2024-01-02. Review status: criteria provided, single submitter. Criteria: Ambry Variant Classification Scheme 2023. Collection method: clinical testing. Allele origin: germline.